The following is an entry in ClinVar:

ClinVar aggregate classification (germline): Pathogenic/Likely pathogenic. Review status: criteria provided, multiple submitters, no conflicts (2 of 4 stars). 3 submissions from 3 submitters: Pathogenic (2); Likely pathogenic (1). Last evaluated 2025-06-20.

Conditions:
Developmental and epileptic encephalopathy, 56. Also called: EPILEPTIC ENCEPHALOPATHY, EARLY INFANTILE, 56. Identifiers: MedGen C4540034, MONDO:0033365, OMIM 617665.

Submissions (3):

GeneDx
Classification: Likely pathogenic. Last evaluated: 2025-06-20. Review status: criteria provided, single submitter. Criteria: GeneDx Variant Classification Process June 2021. Collection method: clinical testing. Allele origin: germline.
Comment: Not observed at significant frequency in large population cohorts (gnomAD); Nonsense variant predicted to result in protein truncation, as the last 206 amino acid(s) are lost, and other loss-of-function variants have been reported downstream in HGMD; This variant is associated with the following publications: (PMID: 34915349, 33767733, 40152536, 40186408, 39413657)

Institute of Human Genetics, University of Leipzig Medical Center
Classification: Pathogenic for Developmental and epileptic encephalopathy, 56. Last evaluated: 2024-04-02. Review status: criteria provided, single submitter. Criteria: ACMG Guidelines, 2015. Collection method: clinical testing. Allele origin: unknown. Inheritance: Autosomal dominant inheritance. Affected: yes.
Comment: Criteria applied: PVS1_STR,PP1_STR,PS4_MOD,PM2_SUP

Labcorp Genetics (formerly Invitae), Labcorp
Classification: Pathogenic. Last evaluated: 2023-07-20. Review status: criteria provided, single submitter. Criteria: Invitae Variant Classification Sherloc (09022015). Collection method: clinical testing. Allele origin: germline.
Comment: ClinVar contains an entry for this variant (Variation ID: 1439308). For these reasons, this variant has been classified as Pathogenic. This premature translational stop signal has been observed in individual(s) with febrile seizures (PMID: 33767733). It has also been observed to segregate with disease in related individuals. This sequence change creates a premature translational stop signal (p.Arg42*) in the YWHAG gene. While this is not anticipated to result in nonsense mediated decay, it is expected to disrupt the last 206 amino acid(s) of the YWHAG protein. This variant is not present in population databases (gnomAD no frequency).

Literature cited by the submitters: PubMed 33767733 (cited by Labcorp Genetics (formerly Invitae), Labcorp).

NM_012479.4(YWHAG):c.124C>T (p.Arg42Ter)

Gene: YWHAG (tyrosine 3-monooxygenase/tryptophan 5-monooxygenase activation protein gamma; minus strand). Cytogenetic location: 7q11.23.
Variant type: single nucleotide variant.
Coding change: c.124C>T on transcript NM_012479.4 (MANE Select); coding-DNA position 124, C replaced by T.
Protein change: p.Arg42Ter; replaces arginine 42 with a stop codon.
Molecular consequence: nonsense.
Genome position (GRCh38, 1-based): chr7:76,330,197, G>A on the plus strand (C>T on the coding strand, the complement: YWHAG is on the minus strand). VCF-style: chr7-76330197-G-A. GRCh37 (hg19) VCF-style: chr7-75959514-G-A.
Other names: c.124C>T (NM_012479.3); short protein forms R42*.
Identifiers: ClinVar variation 1439308 (VCV001439308.10), dbSNP rs2115589147, ClinGen allele CA367778094.